The following is an entry in ClinVar:

ClinVar aggregate classification (germline): Uncertain significance (1 of 4 stars; one submission).

Allele frequency attached by ClinVar (database versions not stated): gnomAD exomes below 0.00001 and 0.00002.
gnomAD v4.1: 25 of 1,613,922 alleles (0.0015%); highest among the groups gnomAD compares: Non-Finnish European, 0.0021%; no homozygotes.

Submission:

Labcorp Genetics (formerly Invitae), Labcorp
Classification: Uncertain significance. Last evaluated: 2023-07-21. Review status: criteria provided, single submitter. Criteria: Invitae Variant Classification Sherloc (09022015). Collection method: clinical testing. Allele origin: germline.
Comment: In summary, the available evidence is currently insufficient to determine the role of this variant in disease. Therefore, it has been classified as a Variant of Uncertain Significance. Advanced modeling of protein sequence and biophysical properties (such as structural, functional, and spatial information, amino acid conservation, physicochemical variation, residue mobility, and thermodynamic stability) performed at Invitae indicates that this missense variant is not expected to disrupt CLUAP1 protein function. ClinVar contains an entry for this variant (Variation ID: 957774). This variant has not been reported in the literature in individuals affected with CLUAP1-related conditions. This variant is present in population databases (no rsID available, gnomAD 0.0009%). This sequence change replaces lysine, which is basic and polar, with arginine, which is basic and polar, at codon 219 of the CLUAP1 protein (p.Lys219Arg).

NM_015041.3(CLUAP1):c.656A>G (p.Lys219Arg)

Gene: CLUAP1 (clusterin associated protein 1; plus strand). Cytogenetic location: 16p13.3.
Variant type: single nucleotide variant.
Coding change: c.656A>G on transcript NM_015041.3 (MANE Select); coding-DNA position 656, A replaced by G.
Protein change: p.Lys219Arg; replaces lysine 219 with arginine.
Molecular consequence: missense variant.
Genome position (GRCh38, 1-based): chr16:3,519,979, A>G. VCF-style: chr16-3519979-A-G. GRCh37 (hg19) VCF-style: chr16-3569979-A-G.
Other names: c.656A>G, p.Lys219Arg (NM_001330454.2); c.158A>G, p.Lys53Arg (NM_024793.3); short protein forms K219R, K53R.
Identifiers: ClinVar variation 957774 (VCV000957774.9), dbSNP rs1365291719, ClinGen allele CA394513253.